The following is an entry in ClinVar:

ClinVar aggregate classification (germline): Uncertain significance. Review status: criteria provided, multiple submitters, no conflicts (2 of 4 stars). 3 submissions from 3 submitters: Uncertain significance (3). Last evaluated 2026-02-17.

Conditions:
RLBP1-related disorder. Also called: RLBP1-related disorders; RLBP1-related condition. Identifiers: MedGen CN239413.
Inborn genetic diseases. Identifiers: MedGen C0950123, MeSH D030342.

Allele frequency attached by ClinVar (database versions not stated): ExAC 0.00001; gnomAD exomes 0.00004.
gnomAD v4.1: 63 of 1,614,192 alleles (0.0039%); highest among the groups gnomAD compares: Non-Finnish European, 0.0053%; no homozygotes.

Submissions (3):

PreventionGenetics, part of Exact Sciences
Classification: Uncertain significance for RLBP1-related condition. Last evaluated: 2026-02-17. Review status: criteria provided, single submitter. Criteria: ACMG Guidelines, 2015. Collection method: clinical testing. Allele origin: germline.
Comment: The RLBP1 c.824G>A variant is predicted to result in the amino acid substitution p.Gly275Asp. To our knowledge, this variant has not been reported in the literature. This variant is reported in 0.0018% of alleles in individuals of European (Non-Finnish) descent in gnomAD. At this time, the clinical significance of this variant is uncertain due to the absence of conclusive functional and genetic evidence.

Ambry Genetics
Classification: Uncertain significance for Inborn genetic diseases. Last evaluated: 2025-01-07. Review status: criteria provided, single submitter. Criteria: Ambry Variant Classification Scheme 2023. Collection method: clinical testing. Allele origin: germline.

Labcorp Genetics (formerly Invitae), Labcorp
Classification: Uncertain significance. Last evaluated: 2022-07-03. Review status: criteria provided, single submitter. Criteria: Invitae Variant Classification Sherloc (09022015). Collection method: clinical testing. Allele origin: germline.
Comment: This sequence change replaces glycine, which is neutral and non-polar, with aspartic acid, which is acidic and polar, at codon 275 of the RLBP1 protein (p.Gly275Asp). This variant is present in population databases (rs747786014, gnomAD 0.002%). This variant has not been reported in the literature in individuals affected with RLBP1-related conditions. Algorithms developed to predict the effect of missense changes on protein structure and function output the following: SIFT: "Tolerated"; PolyPhen-2: "Benign"; Align-GVGD: "Class C0". The aspartic acid amino acid residue is found in multiple mammalian species, which suggests that this missense change does not adversely affect protein function. In summary, the available evidence is currently insufficient to determine the role of this variant in disease. Therefore, it has been classified as a Variant of Uncertain Significance.

NM_000326.5(RLBP1):c.824G>A (p.Gly275Asp)

Gene: RLBP1 (retinaldehyde binding protein 1; minus strand). Cytogenetic location: 15q26.1.
Variant type: single nucleotide variant.
Coding change: c.824G>A on transcript NM_000326.5 (MANE Select); coding-DNA position 824, G replaced by A.
Protein change: p.Gly275Asp; replaces glycine 275 with aspartic acid.
Molecular consequence: missense variant.
Genome position (GRCh38, 1-based): chr15:89,210,415, C>T on the plus strand (G>A on the coding strand, the complement: RLBP1 is on the minus strand). VCF-style: chr15-89210415-C-T. GRCh37 (hg19) VCF-style: chr15-89753646-C-T.
Other names: c.824G>A (NM_000326.4); short protein forms G275D.
Identifiers: ClinVar variation 2065725 (VCV002065725.3), dbSNP rs747786014, ClinGen allele CA7722163.
Genomic context (GRCh38, chr15:89,210,415, plus strand): 5'-TTGGGCAGCGTGCCCCCGAAGTCAGAGGGCAGGATGTTCTCATCGATCTCCTGGTAGAAA[C>T]CAGAAAGGTCATCCCCGTGGACAAAGACCTGCAGGGAAGCAAGGGAGACAGAACTGAGCA-3'
Protein context (NP_000317.1, residues 265-285): RVFVHGDDLS[Gly275Asp]FYQEIDENIL